The following is an entry in ClinVar:

ClinVar aggregate classification (germline): Uncertain significance (1 of 4 stars; one submission).

Submission:

Ambry Genetics
Classification: Uncertain significance. Last evaluated: 2025-11-15. Review status: criteria provided, single submitter. Criteria: Ambry Variant Classification Scheme 2023. Collection method: clinical testing. Allele origin: germline.
Comment: The p.F377L variant (also known as c.1131T>G), located in coding exon 11 of the RASA2 gene, results from a T to G substitution at nucleotide position 1131. The phenylalanine at codon 377 is replaced by leucine, an amino acid with highly similar properties. This amino acid position is conserved. In addition, this alteration is predicted to be tolerated by in silico analysis. Based on the available evidence, the clinical significance of this variant remains unclear.

NM_006506.5(RASA2):c.1131T>G (p.Phe377Leu)

Gene: RASA2 (RAS p21 protein activator 2; plus strand). Cytogenetic location: 3q23.
Variant type: single nucleotide variant.
Coding change: c.1131T>G on transcript NM_006506.5 (MANE Select); coding-DNA position 1131, T replaced by G.
Protein change: p.Phe377Leu; replaces phenylalanine 377 with leucine.
Molecular consequence: missense variant.
Genome position (GRCh38, 1-based): chr3:141,571,516, T>G. VCF-style: chr3-141571516-T-G. GRCh37 (hg19) VCF-style: chr3-141290358-T-G.
Other names: c.1131T>G, p.Phe377Leu (NM_001303245.3, NM_001303246.3); short protein forms F377L.
Identifiers: ClinVar variation 4575860 (VCV004575860.1).